The following is an entry in ClinVar:

ClinVar aggregate classification (germline): Likely benign (1 of 4 stars; one submission).

Submission:

CeGaT Center for Human Genetics Tuebingen
Classification: Likely benign. Last evaluated: 2024-12-01. Review status: criteria provided, single submitter. Criteria: CeGaT Center For Human Genetics Tuebingen Variant Classification Criteria Version 2. Collection method: clinical testing. Allele origin: germline. Affected: yes. Observed: 1 variant allele.
Comment: KMT2B: PM2:Supporting, BP4, BP7

NM_014727.3(KMT2B):c.6846C>A (p.Ser2282=)

Gene: KMT2B (lysine methyltransferase 2B; plus strand). Cytogenetic location: 19q13.12.
Variant type: single nucleotide variant.
Coding change: c.6846C>A on transcript NM_014727.3 (MANE Select); coding-DNA position 6846, C replaced by A.
Protein change: p.Ser2282=; no amino-acid change (serine 2282 retained).
Molecular consequence: synonymous variant.
Genome position (GRCh38, 1-based): chr19:35,733,395, C>A. VCF-style: chr19-35733395-C-A. GRCh37 (hg19) VCF-style: chr19-36224296-C-A.
Identifiers: ClinVar variation 3772148 (VCV003772148.13).